The following is an entry in ClinVar:

ClinVar aggregate classification (germline): not provided (0 of 4 stars; one submission).

Allele frequency attached by ClinVar (database versions not stated): gnomAD exomes 0.45333; gnomAD 0.48104 and 0.48505; TOPMed 0.49903; 1000 Genomes Project 30x 0.56340; 1000 Genomes Project 0.56949.
gnomAD v4.1: 73,835 of 152,268 alleles (48%); highest among the groups gnomAD compares: East Asian, 80%; 18,645 homozygotes.

Submission:

Genomic Research Center, Shahid Beheshti University of Medical Sciences
No classification provided. Review status: no classification provided. Collection method: not provided. Allele origin: somatic.
ClinVar note: Converted during submission from untested to not provided.

NM_005013.4(NUCB2):c.-166G>C

Genes: NUCB2 (nucleobindin 2; plus strand), LOC130005389 (ATAC-STARR-seq lymphoblastoid silent region 3183; plus strand). Cytogenetic location: 11p15.1.
Variant type: single nucleotide variant.
Coding change: c.-166G>C on transcript NM_005013.4 (MANE Select); 166 bases upstream of the start codon, G replaced by C.
Molecular consequence: 5 prime UTR variant.
Genome position (GRCh38, 1-based): chr11:17,276,818, G>C. VCF-style: chr11-17276818-G-C. GRCh37 (hg19) VCF-style: chr11-17298365-G-C.
Other names: rs214087; c.-166G>C (NM_001330227.3); c.-373G>C (NM_001352661.2, NM_001352662.2); c.-289G>C (NM_001352663.2); c.-246G>C (NM_001352664.2, NM_001352665.2); c.-250G>C (NM_001352666.2, NM_001352669.2); c.-11G>C (NM_001352667.2); c.-186G>C (NM_001352668.2).
Identifiers: ClinVar variation 127111 (VCV000127111.4), dbSNP rs214087, ClinGen allele CA249791.
Genomic context (GRCh38, chr11:17,276,818, plus strand): 5'-GGGGCTGGAGGACAGGTTTGTGCGCTGGACGCAAGCACCAGGCGCAGCCTCGCTCGCCGA[G>C]ACCCGGCCAGGTAAGGCCGGTGGCCGCGCGGTAGGTGCGGAGCAGCGCGGCGGGAGATTA-3'